The following is an entry in ClinVar:

NM_015021.3(ZNF292):c.4810del (p.Ser1604fs)

Gene: ZNF292 (zinc finger protein 292; plus strand). Cytogenetic location: 6q14.3.
Variant type: Deletion.
Coding change: c.4810del on transcript NM_015021.3 (MANE Select); coding-DNA position 4810, one base deleted (T; older notation c.4810delT).
Protein change: p.Ser1604fs; shifts the reading frame from serine 1604.
Molecular consequence: frameshift variant.
Genome position (GRCh38, 1-based): chr6:87,258,439, T deleted; the last of 2 consecutive T bases (chr6:87,258,438-87,258,439); deleting either gives the same sequence. VCF-style (leftmost placement, unchanged base first): chr6-87258437-GT-G. GRCh37 (hg19) VCF-style: chr6-87968155-GT-G.
Other names: c.4390del, p.Ser1464fs (NM_001351444.2); short protein forms S1604fs, S1464fs.
Identifiers: ClinVar variation 3820357 (VCV003820357.1).
Genomic context (GRCh38, chr6:87,258,437, plus strand): 5'-GTTTGTGCTCTAGTTCATTTCCTAATTCTGGTGGGCCATCACAAAATTTTACCAGTAACA[GT>G]TCTCGTGTTTCTGTTATAAGTGGTCCTCAGAACACAAGATCCAGTCATTTAAATAAAAAG-3'

ClinVar aggregate classification (germline): Pathogenic (1 of 4 stars; one submission).

Conditions:
Inborn genetic diseases. Identifiers: MedGen C0950123, MeSH D030342.

Submission:

Ambry Genetics
Classification: Pathogenic for Inborn genetic diseases. Last evaluated: 2025-02-18. Review status: criteria provided, single submitter. Criteria: Ambry Variant Classification Scheme 2023. Collection method: clinical testing. Allele origin: germline.
Comment: The c.4810delT (p.S1604Lfs*6) alteration, located in exon 8 (coding exon 8) of the ZNF292 gene, consists of a deletion of one nucleotide at position 4810, causing a translational frameshift with a predicted alternate stop codon after 6 amino acids. This variant is not expected to trigger nonsense-mediated mRNA decay, and impacts the last 41% of the protein. However, premature stop codons are typically deleterious in nature and the impacted region is critical for protein function (Ambry internal data). This variant was not reported in population-based cohorts in the Genome Aggregation Database (gnomAD). Based on the available evidence, this alteration is classified as pathogenic.